The following is an entry in ClinVar:

ClinVar aggregate classification (germline): Uncertain significance (1 of 4 stars; one submission).

Conditions:
Werner syndrome (WRN). Identifiers: Orphanet 902, MedGen C0043119, MONDO:0010196, OMIM 277700.

Allele frequency attached by ClinVar (database versions not stated): gnomAD exomes below 0.00001; TOPMed below 0.00001; ExAC 0.00001.
gnomAD v4.1: 2 of 1,613,892 alleles (0.00012%); highest among the groups gnomAD compares: Admixed American, 0.0017%; no homozygotes.

Submission:

Labcorp Genetics (formerly Invitae), Labcorp
Classification: Uncertain significance for Werner syndrome. Last evaluated: 2023-02-04. Review status: criteria provided, single submitter. Criteria: Invitae Variant Classification Sherloc (09022015). Collection method: clinical testing. Allele origin: germline.
Comment: An algorithm developed to predict the effect of missense changes on protein structure and function (PolyPhen-2) suggests that this variant is likely to be tolerated. In summary, the available evidence is currently insufficient to determine the role of this variant in disease. Therefore, it has been classified as a Variant of Uncertain Significance. ClinVar contains an entry for this variant (Variation ID: 1469126). This variant has not been reported in the literature in individuals affected with WRN-related conditions. This variant is present in population databases (rs770545798, gnomAD 0.003%). This sequence change replaces serine, which is neutral and polar, with asparagine, which is neutral and polar, at codon 179 of the WRN protein (p.Ser179Asn).

NM_000553.6(WRN):c.536G>A (p.Ser179Asn)

Gene: WRN (WRN RecQ like helicase; plus strand). Cytogenetic location: 8p12.
Variant type: single nucleotide variant.
Coding change: c.536G>A on transcript NM_000553.6 (MANE Select); coding-DNA position 536, G replaced by A.
Protein change: p.Ser179Asn; replaces serine 179 with asparagine.
Molecular consequence: missense variant.
Genome position (GRCh38, 1-based): chr8:31,067,064, G>A. VCF-style: chr8-31067064-G-A. GRCh37 (hg19) VCF-style: chr8-30924580-G-A.
Other names: short protein forms S179N.
Identifiers: ClinVar variation 1469126 (VCV001469126.6), dbSNP rs770545798, ClinGen allele CA4704099.
Genomic context (GRCh38, chr8:31,067,064, plus strand): 5'-TTACTGTGTTGCTTTTTCATCATTTCTAGCTGAAATGCACAGAGACCTGGAGCCTTAACA[G>A]TCTGGTTAAACACCTCTTAGGTAAACAGCTCCTGAAAGACAAGTCTATCCGCTGTAGCAA-3'
Protein context (NP_000544.2, residues 169-189): LKCTETWSLN[Ser179Asn]LVKHLLGKQL